The following is an entry in ClinVar:

ClinVar aggregate classification (germline): Uncertain significance (1 of 4 stars; one submission).

gnomAD v4.1: 1 of 1,614,110 alleles (0.000062%); highest among the groups gnomAD compares: Non-Finnish European, 0.000085%; no homozygotes.

Submission:

Labcorp Genetics (formerly Invitae), Labcorp
Classification: Uncertain significance. Last evaluated: 2024-04-27. Review status: criteria provided, single submitter. Criteria: Invitae Variant Classification Sherloc (09022015). Collection method: clinical testing. Allele origin: germline.
Comment: This sequence change replaces leucine, which is neutral and non-polar, with phenylalanine, which is neutral and non-polar, at codon 996 of the ATP1A1 protein (p.Leu996Phe). This variant is not present in population databases (gnomAD no frequency). This variant has not been reported in the literature in individuals affected with ATP1A1-related conditions. Advanced modeling of protein sequence and biophysical properties (such as structural, functional, and spatial information, amino acid conservation, physicochemical variation, residue mobility, and thermodynamic stability) performed at Invitae indicates that this missense variant is not expected to disrupt ATP1A1 protein function with a negative predictive value of 95%. In summary, the available evidence is currently insufficient to determine the role of this variant in disease. Therefore, it has been classified as a Variant of Uncertain Significance.

NM_000701.8(ATP1A1):c.2986C>T (p.Leu996Phe)

Genes: ATP1A1 (ATPase Na+/K+ transporting subunit alpha 1; plus strand), ATP1A1-AS1 (ATP1A1 antisense RNA 1; minus strand). Cytogenetic location: 1p13.1.
Variant type: single nucleotide variant.
Coding change: c.2986C>T on transcript NM_000701.8 (MANE Select); coding-DNA position 2986, C replaced by T.
Protein change: p.Leu996Phe; replaces leucine 996 with phenylalanine.
Molecular consequence: missense variant.
Genome position (GRCh38, 1-based): chr1:116,403,918, C>T. VCF-style: chr1-116403918-C-T. GRCh37 (hg19) VCF-style: chr1-116946540-C-T.
Other names: c.2986C>T, p.Leu996Phe (NM_001160233.2); c.2893C>T, p.Leu965Phe (NM_001160234.2); short protein forms L996F, L965F.
Identifiers: ClinVar variation 3633599 (VCV003633599.2).